The following is an entry in ClinVar:

NM_003070.5(SMARCA2):c.9G>A (p.Thr3=)

Gene: SMARCA2 (SWI/SNF related BAF chromatin remodeling complex subunit ATPase 2; plus strand). Cytogenetic location: 9p24.3.
Variant type: single nucleotide variant.
Coding change: c.9G>A on transcript NM_003070.5 (MANE Select); coding-DNA position 9, G replaced by A.
Protein change: p.Thr3=; no amino-acid change (threonine 3 retained).
Molecular consequence: synonymous variant.
Genome position (GRCh38, 1-based): chr9:2,029,031, G>A. VCF-style: chr9-2029031-G-A. GRCh37 (hg19) VCF-style: chr9-2029031-G-A.
Other names: c.9G>A, p.Thr3= (NM_001289396.2, NM_001289397.2, NM_139045.4).
Identifiers: ClinVar variation 2184697 (VCV002184697.22), dbSNP rs775432878, ClinGen allele CA4962734.

ClinVar aggregate classification (germline): Likely benign. Review status: criteria provided, multiple submitters, no conflicts (2 of 4 stars). 4 submissions from 4 submitters: Likely benign (4). Last evaluated 2025-12-26.

Allele frequency attached by ClinVar (database versions not stated): gnomAD exomes 0.00004; ExAC 0.00006; gnomAD 0.00008; TOPMed 0.00012.
gnomAD v4.1: 64 of 1,549,674 alleles (0.0041%); highest among the groups gnomAD compares: African/African-American, 0.012%; no homozygotes.

Submissions (4):

Women's Health and Genetics/Laboratory Corporation of America, LabCorp
Classification: Likely benign. Last evaluated: 2025-12-26. Review status: criteria provided, single submitter. Criteria: LabCorp Variant Classification Summary - May 2015. Collection method: clinical testing. Allele origin: germline.

Labcorp Genetics (formerly Invitae), Labcorp
Classification: Likely benign. Last evaluated: 2024-08-12. Review status: criteria provided, single submitter. Criteria: Invitae Variant Classification Sherloc (09022015). Collection method: clinical testing. Allele origin: germline.

CeGaT Center for Human Genetics Tuebingen
Classification: Likely benign. Last evaluated: 2024-08-01. Review status: criteria provided, single submitter. Criteria: CeGaT Center For Human Genetics Tuebingen Variant Classification Criteria Version 2. Collection method: clinical testing. Allele origin: germline. Affected: yes. Observed: 1 variant allele.
Comment: SMARCA2: BP4, BP7

Blueprint Genetics
Classification: Likely benign. Last evaluated: 2022-10-14. Review status: criteria provided, single submitter. Criteria: ACMG Guidelines, 2015. Collection method: clinical testing. Allele origin: germline.